The following is an entry in ClinVar:

ClinVar aggregate classification (germline): Pathogenic (1 of 4 stars; one submission).

Conditions:
Pheochromocytoma/paraganglioma syndrome 5. Also called: Paragangliomas 5; SDHA-Related Hereditary Paraganglioma-Pheochromocytoma Syndrome. Identifiers: Orphanet 29072, MedGen C3279992, MONDO:0013602, OMIM 614165.

Submission:

Myriad Genetics, Inc.
Classification: Pathogenic for Pheochromocytoma/paraganglioma syndrome 5. Last evaluated: 2023-01-10. Review status: criteria provided, single submitter. Criteria: Myriad Autosomal Dominant, Autosomal Recessive and X-Linked Classification Criteria (2023). Collection method: clinical testing. Allele origin: unknown.
Comment: This variant is considered pathogenic. This variant creates a frameshift predicted to result in premature protein truncation.

NM_004168.4(SDHA):c.637dup (p.Thr213fs)

Gene: SDHA (succinate dehydrogenase complex flavoprotein subunit A; plus strand). Cytogenetic location: 5p15.33.
Variant type: Duplication.
Coding change: c.637dup on transcript NM_004168.4 (MANE Select); coding-DNA position 637, one base duplicated (A; older notation c.637dupA).
Protein change: p.Thr213fs; shifts the reading frame from threonine 213.
Molecular consequence: frameshift variant.
Genome position (GRCh38, 1-based): chr5:228,200, A duplicated. VCF-style (leftmost placement, unchanged base first): chr5-228199-T-TA. GRCh37 (hg19) VCF-style: chr5-228314-T-TA.
Other names: c.493dup, p.Thr165fs (NM_001294332.2); c.637dup, p.Thr213fs (NM_001330758.2); short protein forms T165fs, T213fs.
Identifiers: ClinVar variation 2442321 (VCV002442321.1), dbSNP rs2477315106, ClinGen allele CA2580073072.